The following is an entry in ClinVar:

ClinVar aggregate classification (germline): Uncertain significance (1 of 4 stars; one submission).

Submission:

GeneDx
Classification: Uncertain significance. Last evaluated: 2024-02-29. Review status: criteria provided, single submitter. Criteria: GeneDx Variant Classification Process June 2021. Collection method: clinical testing. Allele origin: germline. Affected: yes.
Comment: Not observed at significant frequency in large population cohorts (gnomAD); In silico analysis supports that this missense variant has a deleterious effect on protein structure/function; Has not been previously published as pathogenic or benign to our knowledge

NM_005445.4(SMC3):c.2003A>G (p.Tyr668Cys)

Gene: SMC3 (structural maintenance of chromosomes 3; plus strand). Cytogenetic location: 10q25.2.
Variant type: single nucleotide variant.
Coding change: c.2003A>G on transcript NM_005445.4 (MANE Select); coding-DNA position 2003, A replaced by G.
Protein change: p.Tyr668Cys; replaces tyrosine 668 with cysteine.
Molecular consequence: missense variant.
Genome position (GRCh38, 1-based): chr10:110,596,437, A>G. VCF-style: chr10-110596437-A-G. GRCh37 (hg19) VCF-style: chr10-112356195-A-G.
Other names: short protein forms Y668C.
Identifiers: ClinVar variation 3373536 (VCV003373536.1).
Genomic context (GRCh38, chr10:110,596,437, plus strand): 5'-TTACATATGTTTTGTTTATAGGTGACCAAGTCAGCCATCGGGGTGCTCTAACTGGGGGTT[A>G]TTATGACACAAGGAAGTCTCGACTTGAATTGCAAAAAGATGTTAGAAAAGCAGAAGAAGA-3'
Protein context (NP_005436.1, residues 658-678): VSHRGALTGG[Tyr668Cys]YDTRKSRLEL